The following is an entry in ClinVar:

ClinVar aggregate classification (germline): Conflicting classifications of pathogenicity. Review status: criteria provided, conflicting classifications (1 of 4 stars). 12 submissions from 12 submitters: Uncertain significance (2); Benign (2); Likely benign (6). 2 of the submissions do not count toward it. Last evaluated 2026-01-28.

Conditions:
Becker muscular dystrophy (BMD). Also called: Becker Muscular Dystrophy (BMD); MUSCULAR DYSTROPHY, PSEUDOHYPERTROPHIC PROGRESSIVE, BECKER TYPE. Identifiers: Orphanet 98895, MedGen C0917713, MONDO:0010311, OMIM 300376.
Dystrophin deficiency.
Duchenne muscular dystrophy (DMD). Also called: MUSCULAR DYSTROPHY, PSEUDOHYPERTROPHIC PROGRESSIVE, DUCHENNE TYPE; Duchenne Muscular Dystrophy (DMD). Identifiers: Orphanet 98896, MedGen C0013264, MONDO:0010679, OMIM 310200.
Cardiomyopathy (CMYO). Also called: Cardiomyopathies. Identifiers: Orphanet 167848, MedGen C0878544, MONDO:0004994, HP:0001638. Inheritance: Various modes of inheritance.
DMD-related disorder. Also called: DMD-related condition.
Cardiovascular phenotype. Identifiers: MedGen CN230736.
Dilated cardiomyopathy 3B (CMD3B). Also called: CMD3B: DMD-Related Dilated Cardiomyopathy; CARDIOMYOPATHY, DILATED, X-LINKED; DMD-Associated Dilated Cardiomyopathy. Identifiers: Orphanet 154, MedGen C3668940, MONDO:0010542, OMIM 302045.

Allele frequency attached by ClinVar (database versions not stated): ExAC 0.00005; gnomAD 0.00009 and 0.00012; TOPMed 0.00015.
gnomAD v4.1: 155 of 1,209,310 alleles (0.013%); highest among the groups gnomAD compares: Middle Eastern, 0.046%; no homozygotes.

Submissions (12):

Labcorp Genetics (formerly Invitae), Labcorp
Classification: Benign for Duchenne muscular dystrophy. Last evaluated: 2026-01-28. Review status: criteria provided, single submitter. Criteria: Invitae Variant Classification Sherloc (09022015). Collection method: clinical testing. Allele origin: germline.

Ambry Genetics
Classification: Likely benign for Cardiovascular phenotype. Last evaluated: 2025-12-08. Review status: criteria provided, single submitter. Criteria: Ambry Variant Classification Scheme 2023. Collection method: clinical testing. Allele origin: germline.

Mayo Clinic Laboratories, Mayo Clinic
Classification: Likely benign. Last evaluated: 2025-05-16. Review status: criteria provided, single submitter. Criteria: ACMG Guidelines, 2015. Collection method: clinical testing. Allele origin: germline. Observed: 1 variant allele.
Comment: BS2, BP4

Women's Health and Genetics/Laboratory Corporation of America, LabCorp
Classification: Likely benign. Last evaluated: 2024-11-11. Review status: criteria provided, single submitter. Criteria: LabCorp Variant Classification Summary - May 2015. Collection method: clinical testing. Allele origin: germline.

ARUP Laboratories, Molecular Genetics and Genomics, ARUP Laboratories
Classification: Likely benign. Last evaluated: 2024-07-30. Review status: criteria provided, single submitter. Criteria: ARUP Molecular Germline Variant Investigation Process 2024. Collection method: clinical testing. Allele origin: germline.

CeGaT Center for Human Genetics Tuebingen
Classification: Likely benign. Last evaluated: 2020-07-01. Review status: criteria provided, single submitter. Criteria: CeGaT Center For Human Genetics Tuebingen Variant Classification Criteria Version 2. Collection method: clinical testing. Allele origin: germline. Affected: yes. Observed: 1 variant allele.

Genomic Research Center, Shahid Beheshti University of Medical Sciences
Classification: Benign. Last evaluated: 2020-05-03. Review status: criteria provided, single submitter. Criteria: ACMG Guidelines, 2015. Collection method: clinical testing. Allele origin: unknown. Affected: no.

GeneDx
Classification: Likely benign. Last evaluated: 2020-01-06. Review status: criteria provided, single submitter. Criteria: GeneDx Variant Classification Process June 2021. Collection method: clinical testing. Allele origin: germline. Affected: yes.

Illumina Laboratory Services, Illumina
Classification: Uncertain significance for Dilated cardiomyopathy 3B. Last evaluated: 2018-01-13. Review status: criteria provided, single submitter. Criteria: ICSL Variant Classification Criteria 13 December 2019. Collection method: clinical testing. Allele origin: germline.

Eurofins Ntd Llc (ga)
Classification: Uncertain significance. Last evaluated: 2016-01-19. Review status: criteria provided, single submitter. Criteria: EGL Classification Definitions 2015. Collection method: clinical testing. Allele origin: germline. Observed: 1 variant allele, 1 heterozygote.

PreventionGenetics, part of Exact Sciences
Classification: Likely benign for DMD-related condition. Last evaluated: 2024-01-19. Review status: no assertion criteria provided. Collection method: clinical testing. Allele origin: germline. Not counted in ClinVar's aggregate classification.
Comment: This variant is classified as likely benign based on ACMG/AMP sequence variant interpretation guidelines (Richards et al. 2015 PMID: 25741868, with internal and published modifications).

Natera, Inc.
Classification: Likely benign for Becker muscular dystrophy; Cardiomyopathy; Duchenne muscular dystrophy; Dystrophin deficiency. Last evaluated: 2019-08-02. Review status: no assertion criteria provided. Collection method: clinical testing. Allele origin: germline. Not counted in ClinVar's aggregate classification.

NM_004006.3(DMD):c.9479G>A (p.Arg3160His)

Gene: DMD (dystrophin; minus strand). Cytogenetic location: Xp21.2.
Variant type: single nucleotide variant.
Coding change: c.9479G>A on transcript NM_004006.3 (MANE Select); coding-DNA position 9479, G replaced by A.
Protein change: p.Arg3160His; replaces arginine 3160 with histidine.
Molecular consequence: missense variant.
Genome position (GRCh38, 1-based): chrX:31,209,582, C>T on the plus strand (G>A on the coding strand, the complement: DMD is on the minus strand). VCF-style: chrX-31209582-C-T. GRCh37 (hg19) VCF-style: chrX-31227699-C-T.
Other names: p.Arg3160His; c.9455G>A, p.Arg3152His (NM_000109.4); c.9467G>A, p.Arg3156His (NM_004009.3); c.9110G>A, p.Arg3037His (NM_004010.3); c.5456G>A, p.Arg1819His (NM_004011.4); c.5447G>A, p.Arg1816His (NM_004012.4); c.2099G>A, p.Arg700His (NM_004013.3, NM_004020.4, NM_004021.3 and 2 more transcripts); c.1292G>A, p.Arg431His (NM_004014.3); and 1 more; short protein forms R3160H, R3152H, R3156H, R1819H, R3037H, R431H, R1816H, R700H.
Identifiers: ClinVar variation 284712 (VCV000284712.67), dbSNP rs771392678, ClinGen allele CA10377802.